The following is an entry in ClinVar:

ClinVar aggregate classification (germline): Uncertain significance (1 of 4 stars; one submission).

Conditions:
Dyskeratosis congenita. Identifiers: Orphanet 1775, MedGen C0265965, MONDO:0015780.

Submission:

Ambry Genetics
Classification: Uncertain significance for Dyskeratosis congenita. Last evaluated: 2026-01-20. Review status: criteria provided, single submitter. Criteria: Ambry Variant Classification Scheme 2023. Collection method: clinical testing. Allele origin: germline.
Comment: The p.L541Q variant (also known as c.1622T>A), located in coding exon 3 of the TERT gene, results from a T to A substitution at nucleotide position 1622. The leucine at codon 541 is replaced by glutamine, an amino acid with dissimilar properties. This amino acid position is conserved. In addition, this alteration is predicted to be deleterious by in silico analysis. Based on the available evidence, the clinical significance of this variant remains unclear.

NM_198253.3(TERT):c.1622T>A (p.Leu541Gln)

Gene: TERT (telomerase reverse transcriptase; minus strand). Cytogenetic location: 5p15.33.
Variant type: single nucleotide variant.
Coding change: c.1622T>A on transcript NM_198253.3 (MANE Select); coding-DNA position 1622, T replaced by A.
Protein change: p.Leu541Gln; replaces leucine 541 with glutamine.
Molecular consequence: missense variant. On other transcripts: non-coding transcript variant (2).
Genome position (GRCh38, 1-based): chr5:1,282,576, A>T on the plus strand (T>A on the coding strand, the complement: TERT is on the minus strand). VCF-style: chr5-1282576-A-T. GRCh37 (hg19) VCF-style: chr5-1282691-A-T.
Other names: c.1622T>A, p.Leu541Gln (NM_001193376.3); short protein forms L541Q.
Identifiers: ClinVar variation 4825586 (VCV004825586.1).